The following is an entry in ClinVar:

ClinVar aggregate classification (germline): Uncertain significance (1 of 4 stars; one submission).

Allele frequency attached by ClinVar (database versions not stated): ExAC 0.00001; gnomAD 0.00001; TOPMed 0.00001; 1000 Genomes Project 0.00020; 1000 Genomes Project 30x 0.00031.
gnomAD v4.1: 17 of 1,614,156 alleles (0.0011%); highest among the groups gnomAD compares: Admixed American, 0.023%; no homozygotes.

Submission:

Labcorp Genetics (formerly Invitae), Labcorp
Classification: Uncertain significance. Last evaluated: 2025-04-30. Review status: criteria provided, single submitter. Criteria: Invitae Variant Classification Sherloc (09022015). Collection method: clinical testing. Allele origin: germline.
Comment: This sequence change replaces histidine, which is basic and polar, with asparagine, which is neutral and polar, at codon 444 of the DDX58 protein (p.His444Asn). This variant is present in population databases (rs199992038, gnomAD 0.009%). This variant has not been reported in the literature in individuals affected with DDX58-related conditions. ClinVar contains an entry for this variant (Variation ID: 2413969). Invitae Evidence Modeling of protein sequence and biophysical properties (such as structural, functional, and spatial information, amino acid conservation, physicochemical variation, residue mobility, and thermodynamic stability) indicates that this missense variant is not expected to disrupt DDX58 protein function with a negative predictive value of 80%. In summary, the available evidence is currently insufficient to determine the role of this variant in disease. Therefore, it has been classified as a Variant of Uncertain Significance.

NM_014314.4(RIGI):c.1330C>A (p.His444Asn)

Gene: RIGI (RNA sensor RIG-I; minus strand). Cytogenetic location: 9p21.1.
Variant type: single nucleotide variant.
Coding change: c.1330C>A on transcript NM_014314.4 (MANE Select); coding-DNA position 1330, C replaced by A.
Protein change: p.His444Asn; replaces histidine 444 with asparagine.
Molecular consequence: missense variant.
Genome position (GRCh38, 1-based): chr9:32,487,516, G>T on the plus strand (C>A on the coding strand, the complement: RIGI is on the minus strand). VCF-style: chr9-32487516-G-T. GRCh37 (hg19) VCF-style: chr9-32487514-G-T.
Other names: c.1324C>A, p.His442Asn (NM_001385907.1); c.1330C>A, p.His444Asn (NM_001385909.1); c.889C>A, p.His297Asn (NM_001385910.1); c.721C>A, p.His241Asn (NM_001385912.1); c.1315C>A, p.His439Asn (NM_001385913.1); c.886C>A, p.His296Asn (NM_001385914.1); short protein forms H241N, H296N, H297N, H439N, H442N, H444N.
Identifiers: ClinVar variation 2413969 (VCV002413969.6), dbSNP rs199992038, ClinGen allele CA5019865.